The following is an entry in ClinVar:

ClinVar aggregate classification (germline): Uncertain significance (1 of 4 stars; one submission).

Conditions:
Arrhythmogenic right ventricular dysplasia 9 (ARVD9). Also called: Arrhythmogenic Right Ventricular Dysplasia/Cardiomyopathy 9; ARRHYTHMOGENIC RIGHT VENTRICULAR DYSPLASIA, FAMILIAL, 9. Identifiers: MedGen C1836906, MONDO:0012180, OMIM 609040.

Submission:

Labcorp Genetics (formerly Invitae), Labcorp
Classification: Uncertain significance for Arrhythmogenic right ventricular dysplasia 9. Last evaluated: 2025-05-23. Review status: criteria provided, single submitter. Criteria: Invitae Variant Classification Sherloc (09022015). Collection method: clinical testing. Allele origin: germline.
Comment: This sequence change replaces glycine, which is neutral and non-polar, with aspartic acid, which is acidic and polar, at codon 322 of the PKP2 protein (p.Gly322Asp). This variant is not present in population databases (gnomAD no frequency). This variant has not been reported in the literature in individuals affected with PKP2-related conditions. An algorithm developed to predict the effect of missense changes on protein structure and function (PolyPhen-2) suggests that this variant is likely to be disruptive. In summary, the available evidence is currently insufficient to determine the role of this variant in disease. Therefore, it has been classified as a Variant of Uncertain Significance.

NM_001005242.3(PKP2):c.965G>A (p.Gly322Asp)

Gene: PKP2 (plakophilin 2; minus strand). Cytogenetic location: 12p11.21.
Variant type: single nucleotide variant.
Coding change: c.965G>A on transcript NM_001005242.3 (MANE Select); coding-DNA position 965, G replaced by A.
Protein change: p.Gly322Asp; replaces glycine 322 with aspartic acid.
Molecular consequence: missense variant.
Genome position (GRCh38, 1-based): chr12:32,877,915, C>T on the plus strand (G>A on the coding strand, the complement: PKP2 is on the minus strand). VCF-style: chr12-32877915-C-T. GRCh37 (hg19) VCF-style: chr12-33030849-C-T.
Other names: c.965G>A, p.Gly322Asp (NM_001407155.1, NM_001407156.1, NM_001407157.1 and 2 more transcripts); c.638G>A, p.Gly213Asp (NM_001407158.1, NM_001407159.1, NM_001407160.1 and 1 more transcripts); short protein forms G213D, G322D.
Identifiers: ClinVar variation 4772880 (VCV004772880.1).